The following is an entry in ClinVar:

NM_000169.3(GLA):c.902dup (p.His302fs)

Genes: GLA (galactosidase alpha; minus strand), RPL36A-HNRNPH2 (RPL36A-HNRNPH2 readthrough; plus strand). Cytogenetic location: Xq22.1.
Variant type: Duplication.
Coding change: c.902dup on transcript NM_000169.3 (MANE Select); coding-DNA position 902, one base duplicated (G; older notation c.902dupG).
Protein change: p.His302fs; shifts the reading frame from histidine 302.
Molecular consequence: frameshift variant. On other transcripts: non-coding transcript variant (3), intron variant (2).
Genome position (GRCh38, 1-based): chrX:101,398,467, C duplicated on the plus strand (G on the coding strand, the reverse complement: GLA is on the minus strand). VCF-style (leftmost placement, unchanged base first): chrX-101398466-T-TC. GRCh37 (hg19) VCF-style: chrX-100653454-T-TC.
Other names: c.1025dup, p.His343fs (NM_001406747.1); c.902dup, p.His302fs (NM_001406748.1); c.300+3010dup (NM_001199973.2); c.177+6645dup (NM_001199974.2); short protein forms H302fs, H343fs.
Identifiers: ClinVar variation 928484 (VCV000928484.6), dbSNP rs1928166458, ClinGen allele CA1139667718.

ClinVar aggregate classification (germline): Pathogenic/Likely pathogenic. Review status: criteria provided, multiple submitters, no conflicts (2 of 4 stars). 3 submissions from 3 submitters: Pathogenic (2); Likely pathogenic (1). Last evaluated 2026-09-08.

Conditions:
Fabry disease. Also called: Fabry's disease; Angiokeratoma corporis diffusum; CERAMIDE TRIHEXOSIDASE DEFICIENCY; GLA DEFICIENCY; HEREDITARY DYSTOPIC LIPIDOSIS; ALPHA-GALACTOSIDASE A DEFICIENCY. Identifiers: Orphanet 324, MedGen C0002986, MONDO:0010526, OMIM 301500, HP:0001071. Disease mechanism: loss of function, Fabry disease is due to inactivating mutations in the X-linked GLA gene resulting in deficiency of the enzyme Alpha Galactosidase-A..

Submissions (3):

Genomenon, Inc
Classification: Pathogenic for Fabry disease. Last evaluated: 2026-09-08. Review status: criteria provided, single submitter. Criteria: Genomenon Sequence Variant Interpretation Standards - Updated. Collection method: curation. Allele origin: germline. Affected: yes.
Comment: GLA p.His302ThrfsTer13 (c.902dup) is a frameshift variant that is predicted to introduce a premature termination codon and result in a truncated or absent protein product. This variant has been observed in at least one proband with clinical features consistent with Fabry disease (PMID:11322659;37940383). It is absent or not present at a significant frequency in gnomAD. In conclusion, we classify GLA p.His302ThrfsTer13 (c.902dup) as a pathogenic variant.

Labcorp Genetics (formerly Invitae), Labcorp
Classification: Pathogenic for Fabry disease. Last evaluated: 2023-10-13. Review status: criteria provided, single submitter. Criteria: Invitae Variant Classification Sherloc (09022015). Collection method: clinical testing. Allele origin: germline.
Comment: This sequence change creates a premature translational stop signal (p.His302Thrfs*13) in the GLA gene. It is expected to result in an absent or disrupted protein product. Loss-of-function variants in GLA are known to be pathogenic (PMID: 10666480, 12175777). This variant is not present in population databases (gnomAD no frequency). This premature translational stop signal has been observed in individual(s) with Fabry disease (PMID: 11322659). ClinVar contains an entry for this variant (Variation ID: 928484). For these reasons, this variant has been classified as Pathogenic.

Women's Health and Genetics/Laboratory Corporation of America, LabCorp
Classification: Likely pathogenic for Fabry disease. Last evaluated: 2019-08-06. Review status: criteria provided, single submitter. Criteria: LabCorp Variant Classification Summary - May 2015. Collection method: clinical testing. Allele origin: germline.
Comment: Variant summary: GLA c.902dupG (p.His302ThrfsX13) results in a premature termination codon, predicted to cause a truncation of the encoded protein or absence of the protein due to nonsense mediated decay, which are commonly known mechanisms for disease. Truncations downstream of this position have been classified as pathogenic by our laboratory. The variant was absent in 183457 control chromosomes (gnomAD). c.902dupG has been reported in the literature in at least one individual affected with Fabry Disease (Ashley_2001). These data do not allow any conclusion about variant significance. To our knowledge, no experimental evidence demonstrating an impact on protein function has been reported. No clinical diagnostic laboratories have submitted clinical-significance assessments for this variant to ClinVar after 2014. Based on the evidence outlined above, the variant was classified as likely pathogenic.

Literature cited by the submitters: PubMed 11322659 (cited by 3 submitters); PubMed 37940383 (cited by Genomenon, Inc); PubMed 10666480 (cited by Labcorp Genetics (formerly Invitae), Labcorp); PubMed 12175777 (cited by Labcorp Genetics (formerly Invitae), Labcorp).